The following is an entry in ClinVar:

ClinVar aggregate classification (germline): Pathogenic (1 of 4 stars; one submission).

Submission:

Labcorp Genetics (formerly Invitae), Labcorp
Classification: Pathogenic. Last evaluated: 2022-09-01. Review status: criteria provided, single submitter. Criteria: Invitae Variant Classification Sherloc (09022015). Collection method: clinical testing. Allele origin: germline.
Comment: For these reasons, this variant has been classified as Pathogenic. This variant disrupts a region of the USH2A protein in which other variant(s) ( p.Ser5060Pro) have been determined to be pathogenic (PMID: 25649381, 29625443, 29899460, 31904091; Invitae). This suggests that this is a clinically significant region of the protein, and that variants that disrupt it are likely to be disease-causing. This variant has not been reported in the literature in individuals affected with USH2A-related conditions. This variant is a gross deletion of the genomic region encompassing exon(s) 69-70 of the USH2A gene. While this deletion is not anticipated to lead to nonsense mediated decay, it is expected to disrupt the C-terminus of the protein.

Literature cited by the submitters: PubMed 25649381; PubMed 29625443; PubMed 29899460; PubMed 31904091.

NC_000001.10:g.(?_215807781)_(215812600_?)del

Gene: USH2A (usherin; minus strand). Cytogenetic location: 1q41.
Variant type: Deletion.
Identifiers: ClinVar variation 2427748 (VCV002427748.4).